The following is an entry in ClinVar:

NM_000268.4(NF2):c.1558G>A (p.Glu520Lys)

Gene: NF2 (NF2, moesin-ezrin-radixin like (MERLIN) tumor suppressor; plus strand). Cytogenetic location: 22q12.2.
Variant type: single nucleotide variant.
Coding change: c.1558G>A on transcript NM_000268.4 (MANE Select); coding-DNA position 1558, G replaced by A.
Protein change: p.Glu520Lys; replaces glutamic acid 520 with lysine.
Molecular consequence: missense variant. On other transcripts: non-coding transcript variant (1), intron variant (1).
Genome position (GRCh38, 1-based): chr22:29,678,307, G>A. VCF-style: chr22-29678307-G-A. GRCh37 (hg19) VCF-style: chr22-30074296-G-A.
Other names: c.1444G>A, p.Glu482Lys (NM_001407053.1, NM_001407056.1); c.1435G>A, p.Glu479Lys (NM_001407054.1, NM_001407058.1, NM_181829.3); c.1432G>A, p.Glu478Lys (NM_001407055.1, NM_181828.3); c.1423G>A, p.Glu475Lys (NM_001407057.1, NM_001407059.1); c.1558G>A, p.Glu520Lys (NM_001407060.1, NM_001407066.1, NM_016418.5 and 2 more transcripts); c.1300G>A, p.Glu434Lys (NM_001407062.1); c.1309G>A, p.Glu437Lys (NM_001407063.1, NM_001407064.1, NM_181830.3 and 1 more transcripts); c.1024G>A, p.Glu342Lys (NM_001407065.1); and 2 more; short protein forms E342K, E437K, E479K, E478K, E520K, E434K, E443K, E475K.
Identifiers: ClinVar variation 1775199 (VCV001775199.7), dbSNP rs2518713701, ClinGen allele CA411149779.

ClinVar aggregate classification (germline): Uncertain significance. Review status: criteria provided, multiple submitters, no conflicts (2 of 4 stars). 3 submissions from 3 submitters: Uncertain significance (3). Last evaluated 2026-03-04.

Conditions:
Hereditary cancer-predisposing syndrome. Also called: Tumor predisposition; Hereditary neoplastic syndrome; Hereditary Cancer Syndrome; Neoplastic Syndromes, Hereditary. Identifiers: Orphanet 140162, MedGen C0027672, MeSH D009386, MONDO:0015356.
Neurofibromatosis, type 2 (SWNV). Also called: SCHWANNOMATOSIS, VESTIBULAR; BILATERAL ACOUSTIC NEUROFIBROMATOSIS; NF2-Related Schwannomatosis. Identifiers: Orphanet 637, MedGen C0027832, MONDO:0007039, OMIM 101000. Disease mechanism: loss of function.

Allele frequency attached by ClinVar (database versions not stated): gnomAD exomes below 0.00001.
gnomAD v4.1: 1 of 1,613,926 alleles (0.000062%); highest among the groups gnomAD compares: Non-Finnish European, 0.000085%; no homozygotes.

Submissions (3):

GeneDx
Classification: Uncertain significance. Last evaluated: 2026-03-04. Review status: criteria provided, single submitter. Criteria: GeneDx Variant Classification Process June 2021. Collection method: clinical testing. Allele origin: germline.
Comment: Not observed at significant frequency in large population cohorts (gnomAD); In silico analysis supports that this missense variant has a deleterious effect on protein structure/function; Has not been previously published as pathogenic or benign to our knowledge; This variant is associated with the following publications: (PMID: 11756419)

Ambry Genetics
Classification: Uncertain significance for Hereditary cancer-predisposing syndrome. Last evaluated: 2024-06-08. Review status: criteria provided, single submitter. Criteria: Ambry Variant Classification Scheme 2023. Collection method: clinical testing. Allele origin: germline.
Comment: The p.E520K variant (also known as c.1558G>A), located in coding exon 14 of the NF2 gene, results from a G to A substitution at nucleotide position 1558. The glutamic acid at codon 520 is replaced by lysine, an amino acid with similar properties. This amino acid position is highly conserved in available vertebrate species. In addition, this alteration is predicted to be deleterious by in silico analysis. Since supporting evidence is limited at this time, the clinical significance of this alteration remains unclear.

Labcorp Genetics (formerly Invitae), Labcorp
Classification: Uncertain significance for Neurofibromatosis, type 2. Last evaluated: 2023-08-07. Review status: criteria provided, single submitter. Criteria: Invitae Variant Classification Sherloc (09022015). Collection method: clinical testing. Allele origin: germline.
Comment: This sequence change replaces glutamic acid, which is acidic and polar, with lysine, which is basic and polar, at codon 520 of the NF2 protein (p.Glu520Lys). This variant is not present in population databases (gnomAD no frequency). This variant has not been reported in the literature in individuals affected with NF2-related conditions. ClinVar contains an entry for this variant (Variation ID: 1775199). Advanced modeling of protein sequence and biophysical properties (such as structural, functional, and spatial information, amino acid conservation, physicochemical variation, residue mobility, and thermodynamic stability) has been performed at Invitae for this missense variant, however the output from this modeling did not meet the statistical confidence thresholds required to predict the impact of this variant on NF2 protein function. In summary, the available evidence is currently insufficient to determine the role of this variant in disease. Therefore, it has been classified as a Variant of Uncertain Significance.